The following is an entry in ClinVar:

NM_000419.5(ITGA2B):c.1233C>A (p.Tyr411Ter)

Gene: ITGA2B (integrin subunit alpha 2b; minus strand). Cytogenetic location: 17q21.31.
Variant type: single nucleotide variant.
Coding change: c.1233C>A on transcript NM_000419.5 (MANE Select); coding-DNA position 1233, C replaced by A.
Protein change: p.Tyr411Ter; replaces tyrosine 411 with a stop codon.
Molecular consequence: nonsense.
Genome position (GRCh38, 1-based): chr17:44,381,039, G>T on the plus strand (C>A on the coding strand, the complement: ITGA2B is on the minus strand). VCF-style: chr17-44381039-G-T. GRCh37 (hg19) VCF-style: chr17-42458407-G-T.
Other names: short protein forms Y411*.
Identifiers: ClinVar variation 1210205 (VCV001210205.1), dbSNP rs779910477, ClinGen allele CA399803781.

ClinVar aggregate classification (germline): Pathogenic (3 of 4 stars; one submission).

Conditions:
Glanzmann thrombasthenia. Also called: BLEEDING DISORDER, PLATELET-TYPE, 2; THROMBASTHENIA OF GLANZMANN AND NAEGELI; PLATELET GLYCOPROTEIN IIb-IIIa DEFICIENCY; Thrombasthenia; Glanzmann's thrombasthenia. Identifiers: Orphanet 849, MedGen C0040015, MONDO:0100326.

Submission:

ClinGen Platelet Disorders Variant Curation Expert Panel, ClinGen
Classification: Pathogenic for Glanzmann thrombasthenia. Last evaluated: 2021-05-07. Review status: reviewed by expert panel. Criteria: ClinGen Platelet ACMG Specifications v2. Collection method: curation. Allele origin: germline. Inheritance: Autosomal recessive inheritance.
Comment: The ITGA2B nonsense variant NM_000419.5:c.1233C>A (p.Tyr411Ter) introduces a premature termination codon and the resulting mRNA product is predicted to undergo nonsense mediated decay, leading to loss of normal protein function. This variant has been observed in homozygosity in one individual with a phenotype specific for Glanzmann's thrombasthenia (GT) (Patient C, PMID: 26096001). This variant has also been observed to segregate with disease in two affected family members (Patients C and D, PMID: 26096001). Furthermore, this variant is absent from population databases. In summary, this variant meets criteria to be classified as pathogenic for GT. GT-specific criteria applied: PVS1, PM2_supporting, PM3_supporting, PP1, PP4_moderate.